The following is an entry in ClinVar:

ClinVar aggregate classification (germline): Conflicting classifications of pathogenicity. Review status: criteria provided, conflicting classifications (1 of 4 stars). 2 submissions from 2 submitters: Likely pathogenic (1); Uncertain significance (1). Last evaluated 2025-04-24.

Conditions:
Autosomal recessive nonsyndromic hearing loss 12. Also called: DEAFNESS, AUTOSOMAL RECESSIVE 12. Identifiers: Orphanet 90636, MedGen C1832394, MONDO:0011067, OMIM 601386.

Submissions (2):

Victorian Clinical Genetics Services, Murdoch Childrens Research Institute
Classification: Uncertain significance for Autosomal recessive nonsyndromic hearing loss 12. Last evaluated: 2025-04-24. Review status: criteria provided, single submitter. Criteria: ACMG Guidelines, 2015. Collection method: clinical testing. Allele origin: germline. Affected: yes.
Comment: This variant is classified as VUS-3A. Evidence in support of pathogenic classification: Variant is absent from gnomAD (v2, v3 and v4). Additional information: Variant is predicted to result in a missense amino acid change from glutamic acid to glutamine; This variant is heterozygous; This gene is associated with autosomal recessive disease; Alternative amino acid change(s) at the same position are present in gnomAD (Highest allele count: v4: 1 heterozygote(s), 0 homozygote(s)); This variant has no previous evidence of pathogenicity; No published segregation evidence has been identified for this variant; No published functional evidence has been identified for this variant; No comparable missense variants have previous evidence for pathogenicity; Variant is located in the annotated cadherin domain (DECIPHER); Missense variant with inconclusive in silico prediction and uninformative conservation; Loss of function is a known mechanism of disease in this gene and is associated with deafness 12 (MIM#601386), and Usher syndrome, type 1D/F (MIM#601067).

Institute of Rare Diseases, West China Hospital, Sichuan University
Classification: Likely pathogenic for Autosomal recessive nonsyndromic hearing loss 12. Last evaluated: 2025-01-09. Review status: criteria provided, single submitter. Criteria: ClinGen HL ACMG Specifications v1. Collection method: research. Allele origin: germline. Affected: yes.
Comment: PM3_Strong;PM2_Supporting;PP3

NM_022124.6(CDH23):c.6238G>C (p.Glu2080Gln)

Gene: CDH23 (cadherin related 23; plus strand). Cytogenetic location: 10q22.1.
Variant type: single nucleotide variant.
Coding change: c.6238G>C on transcript NM_022124.6 (MANE Select); coding-DNA position 6238, G replaced by C.
Protein change: p.Glu2080Gln; replaces glutamic acid 2080 with glutamine.
Molecular consequence: missense variant.
Genome position (GRCh38, 1-based): chr10:71,791,320, G>C. VCF-style: chr10-71791320-G-C. GRCh37 (hg19) VCF-style: chr10-73551077-G-C.
Other names: short protein forms E2080Q.
Identifiers: ClinVar variation 3601462 (VCV003601462.3).